The following is an entry in ClinVar:

ClinVar aggregate classification (germline): Uncertain significance. Review status: criteria provided, multiple submitters, no conflicts (2 of 4 stars). 2 submissions from 2 submitters: Uncertain significance (2). Last evaluated 2025-10-21.

Conditions:
Combined immunodeficiency due to DOCK8 deficiency (HIES2). Also called: HIES autosomal recessive; Hyper-IgE recurrent infection syndrome, autosomal recessive; HYPER-IgE SYNDROME 2, AUTOSOMAL RECESSIVE, WITH RECURRENT INFECTIONS; DOCK8 Deficiency; HYPER-IgE RECURRENT INFECTION SYNDROME 2, AUTOSOMAL RECESSIVE. Identifiers: Orphanet 217390, MedGen C4722305, MONDO:0009478, OMIM 243700.

Allele frequency attached by ClinVar (database versions not stated): gnomAD exomes below 0.00001; gnomAD 0.00001; TOPMed 0.00001.
gnomAD v4.1: 4 of 1,612,720 alleles (0.00025%); highest among the groups gnomAD compares: Non-Finnish European, 0.00034%; no homozygotes.

Submissions (2):

Labcorp Genetics (formerly Invitae), Labcorp
Classification: Uncertain significance for Combined immunodeficiency due to DOCK8 deficiency. Last evaluated: 2025-10-21. Review status: criteria provided, single submitter. Criteria: Invitae Variant Classification Sherloc (09022015). Collection method: clinical testing. Allele origin: germline.
Comment: This sequence change replaces threonine, which is neutral and polar, with alanine, which is neutral and non-polar, at codon 1741 of the DOCK8 protein (p.Thr1741Ala). This variant is not present in population databases (gnomAD no frequency). This variant has not been reported in the literature in individuals affected with DOCK8-related conditions. ClinVar contains an entry for this variant (Variation ID: 914532). An algorithm developed to predict the effect of missense changes on protein structure and function (PolyPhen-2) suggests that this variant is likely to be tolerated. In summary, the available evidence is currently insufficient to determine the role of this variant in disease. Therefore, it has been classified as a Variant of Uncertain Significance.

Illumina Laboratory Services, Illumina
Classification: Uncertain significance for Combined immunodeficiency due to DOCK8 deficiency. Last evaluated: 2018-01-13. Review status: criteria provided, single submitter. Criteria: ICSL Variant Classification Criteria 13 December 2019. Collection method: clinical testing. Allele origin: germline.

NM_203447.4(DOCK8):c.5221A>G (p.Thr1741Ala)

Gene: DOCK8 (dedicator of cytokinesis 8; plus strand). Cytogenetic location: 9p24.3.
Variant type: single nucleotide variant.
Coding change: c.5221A>G on transcript NM_203447.4 (MANE Select); coding-DNA position 5221, A replaced by G.
Protein change: p.Thr1741Ala; replaces threonine 1741 with alanine.
Molecular consequence: missense variant.
Genome position (GRCh38, 1-based): chr9:439,386, A>G. VCF-style: chr9-439386-A-G. GRCh37 (hg19) VCF-style: chr9-439386-A-G.
Other names: c.4921A>G, p.Thr1641Ala (NM_001190458.2); c.5017A>G, p.Thr1673Ala (NM_001193536.2); short protein forms T1741A, T1641A, T1673A.
Identifiers: ClinVar variation 914532 (VCV000914532.6), dbSNP rs943721536, ClinGen allele CA187816231.